The following is an entry in ClinVar:

ClinVar aggregate classification (germline): Uncertain significance (1 of 4 stars; one submission).

Conditions:
Hereditary cancer-predisposing syndrome. Also called: Hereditary Cancer Syndrome; Neoplastic Syndromes, Hereditary; Tumor predisposition; Hereditary neoplastic syndrome. Identifiers: Orphanet 140162, MedGen C0027672, MeSH D009386, MONDO:0015356.

Submission:

Labcorp Genetics (formerly Invitae), Labcorp
Classification: Uncertain significance for Hereditary cancer-predisposing syndrome. Last evaluated: 2023-08-01. Review status: criteria provided, single submitter. Criteria: Invitae Variant Classification Sherloc (09022015). Collection method: clinical testing. Allele origin: germline.
Comment: In summary, the available evidence is currently insufficient to determine the role of this variant in disease. Therefore, it has been classified as a Variant of Uncertain Significance. Advanced modeling of protein sequence and biophysical properties (such as structural, functional, and spatial information, amino acid conservation, physicochemical variation, residue mobility, and thermodynamic stability) performed at Invitae indicates that this missense variant is expected to disrupt RAD50 protein function. This variant has not been reported in the literature in individuals affected with RAD50-related conditions. This variant is not present in population databases (gnomAD no frequency). This sequence change replaces leucine, which is neutral and non-polar, with valine, which is neutral and non-polar, at codon 507 of the RAD50 protein (p.Leu507Val).

NM_005732.4(RAD50):c.1519C>G (p.Leu507Val)

Gene: RAD50 (RAD50 double strand break repair protein; plus strand). Cytogenetic location: 5q31.1.
Variant type: single nucleotide variant.
Coding change: c.1519C>G on transcript NM_005732.4 (MANE Select); coding-DNA position 1519, C replaced by G.
Protein change: p.Leu507Val; replaces leucine 507 with valine.
Molecular consequence: missense variant.
Genome position (GRCh38, 1-based): chr5:132,591,290, C>G. VCF-style: chr5-132591290-C-G. GRCh37 (hg19) VCF-style: chr5-131926982-C-G.
Other names: short protein forms L507V.
Identifiers: ClinVar variation 2748936 (VCV002748936.3), dbSNP rs2149842199, ClinGen allele CA360945685.